The following is an entry in ClinVar:

NM_000419.5(ITGA2B):c.1545-1G>A

Gene: ITGA2B (integrin subunit alpha 2b; minus strand). Cytogenetic location: 17q21.31.
Variant type: single nucleotide variant.
Coding change: c.1545-1G>A on transcript NM_000419.5 (MANE Select); the canonical splice acceptor site of the intron before coding-DNA position 1545, G replaced by A.
Molecular consequence: splice acceptor variant.
Genome position (GRCh38, 1-based): chr17:44,380,302, C>T on the plus strand (G>A on the coding strand, the complement: ITGA2B is on the minus strand). VCF-style: chr17-44380302-C-T. GRCh37 (hg19) VCF-style: chr17-42457670-C-T.
Other names: NM_000419.5:c.1545-1G>A.
Identifiers: ClinVar variation 1803116 (VCV001803116.3), dbSNP rs773464534, ClinGen allele CA8603039.

ClinVar aggregate classification (germline): Pathogenic. Review status: reviewed by expert panel (3 of 4 stars). 3 submissions from 3 submitters: Pathogenic (1). 2 of the submissions do not count toward it. Last evaluated 2022-09-20.

Conditions:
Platelet-type bleeding disorder 16 (BDPLT16). Also called: Bleeding disorder, platelet-type, 16, autosomal dominant. Identifiers: Orphanet 140957, MedGen C5442010, MONDO:0008552, OMIM 187800.
Glanzmann thrombasthenia. Also called: Thrombasthenia; Glanzmann's thrombasthenia; PLATELET GLYCOPROTEIN IIb-IIIa DEFICIENCY; THROMBASTHENIA OF GLANZMANN AND NAEGELI. Identifiers: Orphanet 849, MedGen C0040015, MONDO:0100326.
Glanzmann thrombasthenia 1 (GT1). Also called: BLEEDING DISORDER, PLATELET-TYPE, 2; GP IIb-IIIa COMPLEX DEFICIENCY; GLYCOPROTEIN COMPLEX IIb-IIIa DEFICIENCY; PLATELET FIBRINOGEN RECEPTOR DEFICIENCY. Identifiers: MedGen CN300358, MONDO:0031332, OMIM 273800.

Allele frequency attached by ClinVar (database versions not stated): gnomAD exomes below 0.00001; ExAC 0.00001.
gnomAD v4.1: 3 of 1,614,246 alleles (0.00019%); highest among the groups gnomAD compares: South Asian, 0.0033%; no homozygotes.

Submissions (3):

ClinGen Platelet Disorders Variant Curation Expert Panel, ClinGen
Classification: Pathogenic for Glanzmann thrombasthenia. Last evaluated: 2022-09-20. Review status: reviewed by expert panel. Criteria: ClinGen Platelet ACMG Specifications v2-1. Collection method: curation. Allele origin: germline. Inheritance: Autosomal recessive inheritance.
Comment: The NM_000419.5:c.1545-1G>A occurs within the canonical splice acceptor site of intron 16. It is predicted to cause skipping of biologically-relevant-exon 16, resulting in a frameshift with a premature stop codon in exon 17/30, leading to nonsense mediated decay in a gene in which loss-of-function is an established disease mechanism (PVS1). At least one patient (UPN 5 in PMID: 16879215) with this variant displayed mucocutaneous bleeding and impaired aggregation with all agonists except ristocetin, which is highly specific for Glanzmann thrombasthenia (PP4_moderate). Additionally, αIIbβ3 surface expression was reduced to 14.9%, as measured by flow cytometry. UPN 5 is homozygous for this variant (PM3_supporting; PMID: 16879215). The highest population minor allele frequency in gnomAD v2.1.1 is 0.00003266 (1/30616alleles) in the South Asian population, which is lower than the ClinGen PD VCEP threshold (<0.0001; PM2_Supporting). In summary, this variant meets the criteria to be classified as pathogenic for autosomal recessive Glanzmann Thrombasthenia based on the ACMG/AMP criteria applied, as specified by the ClinGen PD VCEP: PVS1, PM2_supporting, PM3_supporting, PP4_moderate.

Genetics and Molecular Pathology, SA Pathology
Classification: Pathogenic for Glanzmann thrombasthenia 1. Last evaluated: 2020-01-31. Review status: criteria provided, single submitter. Criteria: ACMG Guidelines, 2015. Collection method: clinical testing. Allele origin: germline. Affected: yes. Not counted in ClinVar's aggregate classification.

Neuberg Centre For Genomic Medicine, NCGM
Classification: Likely pathogenic for Platelet-type bleeding disorder 16. Review status: criteria provided, single submitter. Criteria: ACMG Guidelines, 2015. Collection method: clinical testing. Allele origin: germline. Inheritance: Autosomal dominant inheritance. Affected: yes. Not counted in ClinVar's aggregate classification.
Comment: The splice acceptor variant c.1545-1G>A in ITGA2B (NM_000419.5) has not been reported previously as a pathogenic variant nor as a benign variant, to our knowledge. This variant mutates a splice-acceptor sequence, potentially resulting in exon skipping and the production of abnormal proteins. The c.1545-1G>A variant is a loss of function variant in the gene ITGA2B, which is intolerant of Loss of Function variants. The nucleotide change in ITGA2B is predicted as conserved by GERP++ and PhyloP across 100 vertebrates. For these reasons, this variant has been classified as Likely Pathogenic.